The following is an entry in ClinVar:

ClinVar aggregate classification (germline): Pathogenic (1 of 4 stars; one submission).

Conditions:
Hereditary breast ovarian cancer syndrome. Also called: Hereditary breast and ovarian cancer syndrome; Hereditary breast and/or ovarian cancer syndrome; BRCA1- and BRCA2-Associated Hereditary Breast and Ovarian Cancer; Hereditary breast and ovarian cancer syndrome (HBOC); Hereditary breast and ovarian cancer; Breast and ovarian cancer. Identifiers: Orphanet 145, MedGen C0677776, MeSH D061325, MONDO:0003582. Disease mechanism: loss of function.

Submission:

Labcorp Genetics (formerly Invitae), Labcorp
Classification: Pathogenic for Hereditary breast ovarian cancer syndrome. Last evaluated: 2023-05-22. Review status: criteria provided, single submitter. Criteria: Invitae Variant Classification Sherloc (09022015). Collection method: clinical testing. Allele origin: germline.
Comment: This sequence change creates a premature translational stop signal (p.Val2377Phefs*17) in the BRCA2 gene. It is expected to result in an absent or disrupted protein product. Loss-of-function variants in BRCA2 are known to be pathogenic (PMID: 20104584). This variant is not present in population databases (gnomAD no frequency). For these reasons, this variant has been classified as Pathogenic. This variant has not been reported in the literature in individuals affected with BRCA2-related conditions.

Literature cited by the submitters: PubMed 20104584.

NM_000059.4(BRCA2):c.7128del (p.Val2377fs)

Gene: BRCA2 (BRCA2 DNA repair associated; plus strand). Cytogenetic location: 13q13.1.
Variant type: Deletion.
Coding change: c.7128del on transcript NM_000059.4 (MANE Select); coding-DNA position 7128, one base deleted (A; older notation c.7128delA).
Protein change: p.Val2377fs; shifts the reading frame from valine 2377.
Molecular consequence: frameshift variant. On other transcripts: non-coding transcript variant (1).
Genome position (GRCh38, 1-based): chr13:32,354,981, A deleted. VCF-style (leftmost placement, unchanged base first): chr13-32354980-CA-C. GRCh37 (hg19) VCF-style: chr13-32929117-CA-C.
Other names: c.7032del, p.Val2345fs (NM_001406719.1); c.7128del, p.Val2377fs (NM_001406720.1); c.2196del, p.Val733fs (NM_001406721.1); c.711del, p.Val238fs (NM_001406722.1); short protein forms V238fs, V2377fs, V733fs, V2345fs.
Identifiers: ClinVar variation 2866600 (VCV002866600.3), dbSNP rs2548540135, ClinGen allele CA2739277507.
Genomic context (GRCh38, chr13:32,354,980, plus strand): 5'-TTCTGTCTAAATCTCATTTGTATGAACATCTGACTTTGGAAAAATCTTCAAGCAATTTAG[CA>C]GTTTCAGGACATCCATTTTATCAAGTTTCTGCTACAAGAAATGAAAAAATGAGACACTTG-3'